The following is an entry in ClinVar:

NM_004928.3(CFAP410):c.188G>A (p.Arg63His)

Gene: CFAP410 (cilia and flagella associated protein 410; minus strand). Cytogenetic location: 21q22.3.
Variant type: single nucleotide variant.
Coding change: c.188G>A on transcript NM_004928.3 (MANE Select); coding-DNA position 188, G replaced by A.
Protein change: p.Arg63His; replaces arginine 63 with histidine.
Molecular consequence: missense variant.
Genome position (GRCh38, 1-based): chr21:44,333,218, C>T on the plus strand (G>A on the coding strand, the complement: CFAP410 is on the minus strand). VCF-style: chr21-44333218-C-T. GRCh37 (hg19) VCF-style: chr21-45753101-C-T.
Other names: c.188G>A, p.Arg63His (NM_001271440.2, NM_001271441.2); c.65G>A, p.Arg22His (NM_001271442.1); short protein forms R22H, R63H.
Identifiers: ClinVar variation 1020017 (VCV001020017.11), dbSNP rs759884906, ClinGen allele CA10053765.

ClinVar aggregate classification (germline): Uncertain significance. Review status: criteria provided, multiple submitters, no conflicts (2 of 4 stars). 2 submissions from 2 submitters: Uncertain significance (2). Last evaluated 2025-06-16.

Allele frequency attached by ClinVar (database versions not stated): gnomAD 0.00001; gnomAD exomes 0.00002; TOPMed 0.00002.
gnomAD v4.1: 27 of 1,612,742 alleles (0.0017%); highest among the groups gnomAD compares: African/African-American, 0.0027%; no homozygotes.

Submissions (2):

Labcorp Genetics (formerly Invitae), Labcorp
Classification: Uncertain significance. Last evaluated: 2025-06-16. Review status: criteria provided, single submitter. Criteria: Invitae Variant Classification Sherloc (09022015). Collection method: clinical testing. Allele origin: germline.
Comment: This sequence change replaces arginine, which is basic and polar, with histidine, which is basic and polar, at codon 63 of the CFAP410 protein (p.Arg63His). This variant is present in population databases (rs759884906, gnomAD 0.008%). This variant has not been reported in the literature in individuals affected with CFAP410-related conditions. ClinVar contains an entry for this variant (Variation ID: 1020017). Invitae Evidence Modeling of protein sequence and biophysical properties (such as structural, functional, and spatial information, amino acid conservation, physicochemical variation, residue mobility, and thermodynamic stability) indicates that this missense variant is not expected to disrupt CFAP410 protein function with a negative predictive value of 80%. In summary, the available evidence is currently insufficient to determine the role of this variant in disease. Therefore, it has been classified as a Variant of Uncertain Significance.

Blueprint Genetics
Classification: Uncertain significance. Last evaluated: 2024-11-20. Review status: criteria provided, single submitter. Criteria: ACMG Guidelines, 2015. Collection method: clinical testing. Allele origin: germline.